The following is an entry in ClinVar:

ClinVar aggregate classification (germline): Likely benign. Review status: criteria provided, multiple submitters, no conflicts (2 of 4 stars). 3 submissions from 3 submitters: Likely benign (2). 1 of the submissions does not count toward it. Last evaluated 2025-08-18.

Conditions:
WHRN-related disorder. Also called: WHRN-related condition.

Allele frequency attached by ClinVar (database versions not stated): ExAC 0.00002; gnomAD 0.00002; gnomAD exomes 0.00002; TOPMed 0.00002.
gnomAD v4.1: 37 of 1,614,038 alleles (0.0023%); highest among the groups gnomAD compares: Middle Eastern, 0.033%; no homozygotes.

Submissions (3):

Labcorp Genetics (formerly Invitae), Labcorp
Classification: Likely benign. Last evaluated: 2025-08-18. Review status: criteria provided, single submitter. Criteria: Invitae Variant Classification Sherloc (09022015). Collection method: clinical testing. Allele origin: germline.

Blueprint Genetics
Classification: Likely benign. Last evaluated: 2024-09-30. Review status: criteria provided, single submitter. Criteria: ACMG Guidelines, 2015. Collection method: clinical testing. Allele origin: germline.

PreventionGenetics, part of Exact Sciences
Classification: Likely benign for WHRN-related condition. Last evaluated: 2019-09-25. Review status: no assertion criteria provided. Collection method: clinical testing. Allele origin: germline. Not counted in ClinVar's aggregate classification.
Comment: This variant is classified as likely benign based on ACMG/AMP sequence variant interpretation guidelines (Richards et al. 2015 PMID: 25741868, with internal and published modifications).

NM_015404.4(WHRN):c.2202C>T (p.Asp734=)

Gene: WHRN (whirlin; minus strand). Cytogenetic location: 9q32.
Variant type: single nucleotide variant.
Coding change: c.2202C>T on transcript NM_015404.4 (MANE Select); coding-DNA position 2202, C replaced by T.
Protein change: p.Asp734=; no amino-acid change (aspartic acid 734 retained).
Molecular consequence: synonymous variant.
Genome position (GRCh38, 1-based): chr9:114,406,389, G>A on the plus strand (C>T on the coding strand, the complement: WHRN is on the minus strand). VCF-style: chr9-114406389-G-A. GRCh37 (hg19) VCF-style: chr9-117168669-G-A.
Other names: c.2202C>T (NM_015404.3); c.1053C>T, p.Asp351= (NM_001083885.3); c.2202C>T, p.Asp734= (NM_001173425.2); c.1149C>T, p.Asp383= (NM_001346890.1).
Identifiers: ClinVar variation 1148002 (VCV001148002.12), dbSNP rs777975664, ClinGen allele CA5205718.